The following is an entry in ClinVar:

ClinVar aggregate classification (germline): Conflicting classifications of pathogenicity. Review status: criteria provided, conflicting classifications (1 of 4 stars). 6 submissions from 6 submitters: Uncertain significance (4); Likely benign (2). Last evaluated 2026-06-05.

Conditions:
FGFR3-related disorder. Also called: FGFR3-related disorders.

Allele frequency attached by ClinVar (database versions not stated): gnomAD exomes 0.00004 and 0.00008; 1000 Genomes Project 30x 0.00016; ExAC 0.00017; 1000 Genomes Project 0.00020; gnomAD 0.00028 and 0.00031; TOPMed 0.00044; ESP Exome Variant Server 0.00069.
gnomAD v4.1: 100 of 1,607,720 alleles (0.0062%); highest among the groups gnomAD compares: African/African-American, 0.12%; no homozygotes.

Submissions (6):

PreventionGenetics, part of Exact Sciences
Classification: Uncertain significance for FGFR3-related condition. Last evaluated: 2026-06-05. Review status: criteria provided, single submitter. Criteria: ACMG Guidelines, 2015. Collection method: clinical testing. Allele origin: germline.
Comment: The FGFR3 c.2396C>T variant is predicted to result in the amino acid substitution p.Pro799Leu. To our knowledge, this variant has not been reported in the literature. This variant is reported in 0.079% of alleles in individuals of African descent in gnomAD. Although we suspect that this variant may be benign, at this time, the clinical significance of this variant is uncertain due to the absence of conclusive functional and genetic evidence.

Labcorp Genetics (formerly Invitae), Labcorp
Classification: Likely benign. Last evaluated: 2025-04-28. Review status: criteria provided, single submitter. Criteria: Invitae Variant Classification Sherloc (09022015). Collection method: clinical testing. Allele origin: germline.

Women's Health and Genetics/Laboratory Corporation of America, LabCorp
Classification: Uncertain significance. Last evaluated: 2025-03-12. Review status: criteria provided, single submitter. Criteria: LabCorp Variant Classification Summary - May 2015. Collection method: clinical testing. Allele origin: germline.
Comment: Variant summary: FGFR3 c.2396C>T (p.Pro799Leu) results in a non-conservative amino acid change located in the Protein kinase domain (IPR000719) of the encoded protein sequence. Three of five in-silico tools predict a damaging effect of the variant on protein function. The variant allele was found at a frequency of 8.2e-05 in 230500 control chromosomes. This frequency is not significantly higher than estimated for a pathogenic variant in FGFR3 causing Achondroplasia, allowing no conclusion about variant significance. To our knowledge, no occurrence of c.2396C>T in individuals affected with Achondroplasia and no experimental evidence demonstrating its impact on protein function have been reported. ClinVar contains an entry for this variant (Variation ID: 585863). Based on the evidence outlined above, the variant was classified as uncertain significance.

Blueprint Genetics
Classification: Likely benign. Last evaluated: 2023-04-25. Review status: criteria provided, single submitter. Criteria: ACMG Guidelines, 2015. Collection method: clinical testing. Allele origin: germline.

Athena Diagnostics
Classification: Uncertain significance. Last evaluated: 2017-12-07. Review status: criteria provided, single submitter. Criteria: Athena Diagnostics Criteria. Collection method: clinical testing. Allele origin: germline.

Eurofins Ntd Llc (ga)
Classification: Uncertain significance. Last evaluated: 2017-11-28. Review status: criteria provided, single submitter. Criteria: EGL Classification Definitions 2015. Collection method: clinical testing. Allele origin: germline. Observed: 1 variant allele, 1 heterozygote.

NM_000142.5(FGFR3):c.2396C>T (p.Pro799Leu)

Gene: FGFR3 (fibroblast growth factor receptor 3; plus strand). Cytogenetic location: 4p16.3.
Variant type: single nucleotide variant.
Coding change: c.2396C>T on transcript NM_000142.5 (MANE Select); coding-DNA position 2396, C replaced by T.
Protein change: p.Pro799Leu; replaces proline 799 with leucine.
Molecular consequence: missense variant. On other transcripts: synonymous variant (1), non-coding transcript variant (1).
Genome position (GRCh38, 1-based): chr4:1,807,237, C>T. VCF-style: chr4-1807237-C-T. GRCh37 (hg19) VCF-style: chr4-1808964-C-T.
Other names: c.2402C>T, p.Pro801Leu (NM_001163213.2); c.2399C>T, p.Pro800Leu (NM_001354809.2); c.2328C>T, p.Thr776= (NM_001354810.2); c.2060C>T, p.Pro687Leu (NM_022965.4); short protein forms P799L, P801L, P687L, P800L.
Identifiers: ClinVar variation 585863 (VCV000585863.16), dbSNP rs150452037, ClinGen allele CA2810865.